The following is an entry in ClinVar:

ClinVar aggregate classification (germline): Conflicting classifications of pathogenicity. Review status: criteria provided, conflicting classifications (1 of 4 stars). 7 submissions from 7 submitters: Uncertain significance (2); Benign (2); Likely benign (3). Last evaluated 2025-12-21.

Conditions:
TTN-related disorder. Also called: TTN-related condition; TTN-related disease; TTN-related disorders.
Cardiovascular phenotype. Identifiers: MedGen CN230736.
Autosomal recessive limb-girdle muscular dystrophy type 2J (LGMDR10). Also called: Limb-girdle muscular dystrophy, type 2J; MUSCULAR DYSTROPHY, LIMB-GIRDLE, AUTOSOMAL RECESSIVE 10. Identifiers: Orphanet 140922, MedGen C1837342, MONDO:0012127, OMIM 608807.
Dilated cardiomyopathy 1G (CMD1G). Identifiers: Orphanet 154, MedGen C1858763, MONDO:0011400, OMIM 604145.
Cardiomyopathy (CMYO). Also called: Cardiomyopathies. Identifiers: Orphanet 167848, MedGen C0878544, MONDO:0004994, HP:0001638. Inheritance: Various modes of inheritance.

Allele frequency attached by ClinVar (database versions not stated): gnomAD 0.00011 and 0.00013; gnomAD exomes 0.00011 and 0.00025; TOPMed 0.00011; ExAC 0.00023.
gnomAD v4.1: 188 of 1,613,254 alleles (0.012%); highest among the groups gnomAD compares: Non-Finnish European, 0.0031%; no homozygotes.

Submissions (7):

Labcorp Genetics (formerly Invitae), Labcorp
Classification: Benign for Dilated cardiomyopathy 1G; Autosomal recessive limb-girdle muscular dystrophy type 2J. Last evaluated: 2025-12-21. Review status: criteria provided, single submitter. Criteria: Invitae Variant Classification Sherloc (09022015). Collection method: clinical testing. Allele origin: germline.

PreventionGenetics, part of Exact Sciences
Classification: Likely benign for TTN-related condition. Last evaluated: 2025-04-16. Review status: criteria provided, single submitter. Criteria: ACMG Guidelines, 2015. Collection method: clinical testing. Allele origin: germline.
Comment: This variant is classified as likely benign based on ACMG/AMP sequence variant interpretation guidelines (Richards et al. 2015 PMID: 25741868, with internal and published modifications).

GeneDx
Classification: Likely benign. Last evaluated: 2021-03-09. Review status: criteria provided, single submitter. Criteria: GeneDx Variant Classification Process June 2021. Collection method: clinical testing. Allele origin: germline. Affected: yes.

Ambry Genetics
Classification: Likely benign for Cardiovascular phenotype. Last evaluated: 2018-11-23. Review status: criteria provided, single submitter. Criteria: Ambry Variant Classification Scheme 2023. Collection method: clinical testing. Allele origin: germline.

CHEO Genetics Diagnostic Laboratory, Children's Hospital of Eastern Ontario
Classification: Benign for Cardiomyopathy. Last evaluated: 2018-05-02. Review status: criteria provided, single submitter. Criteria: ACMG Guidelines, 2015. Collection method: clinical testing. Allele origin: germline.

Eurofins Ntd Llc (ga)
Classification: Uncertain significance. Last evaluated: 2017-01-30. Review status: criteria provided, single submitter. Criteria: EGL Classification Definitions 2015. Collection method: clinical testing. Allele origin: germline. Observed: 2 variant alleles, 2 heterozygotes.

Laboratory for Molecular Medicine, Mass General Brigham Personalized Medicine
Classification: Uncertain significance. Last evaluated: 2015-03-11. Review status: criteria provided, single submitter. Criteria: LMM Criteria. Collection method: clinical testing. Allele origin: germline. Observed: 3 variant alleles.
Comment: This variant was also identified in 0.04% (28/ 66604) of European chromosomes by the Exome Aggregation Consortium (ExAC; dbSNP rs397517573). Computational prediction tools and conservation analysis suggest that this variant may impact the protein, though this information is not predictive enough to determine pathogenicity. In summary , the clinical significance of the p.Asp11905His variant is uncertain.

NM_001267550.2(TTN):c.43417G>C (p.Asp14473His)

Gene: TTN (titin; minus strand). Cytogenetic location: 2q31.2.
Variant type: single nucleotide variant.
Coding change: c.43417G>C on transcript NM_001267550.2 (MANE Select); coding-DNA position 43417, G replaced by C.
Protein change: p.Asp14473His; replaces aspartic acid 14473 with histidine.
Molecular consequence: missense variant.
Genome position (GRCh38, 1-based): chr2:178,632,589, C>G on the plus strand (G>C on the coding strand, the complement: TTN is on the minus strand). VCF-style: chr2-178632589-C-G. GRCh37 (hg19) VCF-style: chr2-179497316-C-G.
Other names: c.16798G>C, p.Asp5600His (NM_133437.4); c.38494G>C, p.Asp12832His (NM_001256850.1); c.16222G>C, p.Asp5408His (NM_003319.4); c.35713G>C, p.Asp11905His (NM_133378.4); c.16597G>C, p.Asp5533His (NM_133432.3); short protein forms D14473H, D11905H, D5408H, D12832H, D5533H, D5600H.
Identifiers: ClinVar variation 46967 (VCV000046967.29), dbSNP rs397517573, ClinGen allele CA139661.